The following is an entry in ClinVar:

NM_000486.6(AQP2):c.10C>G (p.Leu4Val)

Gene: AQP2 (aquaporin 2; plus strand). Cytogenetic location: 12q13.12.
Variant type: single nucleotide variant.
Coding change: c.10C>G on transcript NM_000486.6 (MANE Select); coding-DNA position 10, C replaced by G.
Protein change: p.Leu4Val; replaces leucine 4 with valine.
Molecular consequence: missense variant.
Genome position (GRCh38, 1-based): chr12:49,950,840, C>G. VCF-style: chr12-49950840-C-G. GRCh37 (hg19) VCF-style: chr12-50344623-C-G.
Other names: short protein forms L4V.
Identifiers: ClinVar variation 3614297 (VCV003614297.2).

ClinVar aggregate classification (germline): Uncertain significance (1 of 4 stars; one submission).

gnomAD v4.1: 3 of 1,611,966 alleles (0.00019%); highest among the groups gnomAD compares: African/African-American, 0.004%; no homozygotes.

Submission:

Labcorp Genetics (formerly Invitae), Labcorp
Classification: Uncertain significance. Last evaluated: 2024-10-10. Review status: criteria provided, single submitter. Criteria: Invitae Variant Classification Sherloc (09022015). Collection method: clinical testing. Allele origin: germline.
Comment: This sequence change replaces leucine, which is neutral and non-polar, with valine, which is neutral and non-polar, at codon 4 of the AQP2 protein (p.Leu4Val). This variant is present in population databases (no rsID available, gnomAD 0.01%). This variant has not been reported in the literature in individuals affected with AQP2-related conditions. Invitae Evidence Modeling of protein sequence and biophysical properties (such as structural, functional, and spatial information, amino acid conservation, physicochemical variation, residue mobility, and thermodynamic stability) indicates that this missense variant is not expected to disrupt AQP2 protein function with a negative predictive value of 95%. In summary, the available evidence is currently insufficient to determine the role of this variant in disease. Therefore, it has been classified as a Variant of Uncertain Significance.